The following is an entry in ClinVar:

NM_000203.5(IDUA):c.793-9C>A

Gene: IDUA (alpha-L-iduronidase; plus strand). Cytogenetic location: 4p16.3.
Variant type: single nucleotide variant.
Coding change: c.793-9C>A on transcript NM_000203.5 (MANE Select); 9 bases into the intron before coding-DNA position 793, C replaced by A.
Molecular consequence: intron variant.
Genome position (GRCh38, 1-based): chr4:1,001,973, C>A. VCF-style: chr4-1001973-C-A. GRCh37 (hg19) VCF-style: chr4-995761-C-A.
Other names: c.397-9C>A (NM_001363576.1).
Identifiers: ClinVar variation 2193713 (VCV002193713.4), dbSNP rs375798875, ClinGen allele CA2802095.

ClinVar aggregate classification (germline): Uncertain significance. Review status: criteria provided, multiple submitters, no conflicts (2 of 4 stars). 2 submissions from 2 submitters: Uncertain significance (2). Last evaluated 2024-12-31.

Conditions:
Mucopolysaccharidosis type 1. Also called: IDUA deficiency; MPS I. Identifiers: Orphanet 579, MedGen C0023786, MONDO:0001586.

gnomAD v4.1: 42 of 1,577,300 alleles (0.0027%); highest among the groups gnomAD compares: Non-Finnish European, 0.0036%; no homozygotes.

Submissions (2):

Revvity Omics, Revvity
Classification: Uncertain significance. Last evaluated: 2024-12-31. Review status: criteria provided, single submitter. Criteria: ACMG Guidelines, 2015. Collection method: clinical testing. Allele origin: germline.

Labcorp Genetics (formerly Invitae), Labcorp
Classification: Uncertain significance for Mucopolysaccharidosis type 1. Last evaluated: 2022-10-24. Review status: criteria provided, single submitter. Criteria: Invitae Variant Classification Sherloc (09022015). Collection method: clinical testing. Allele origin: germline.
Comment: This sequence change falls in intron 6 of the IDUA gene. It does not directly change the encoded amino acid sequence of the IDUA protein. The frequency data for this variant in the population databases is considered unreliable, as metrics indicate poor data quality at this position in the gnomAD database. This variant has not been reported in the literature in individuals affected with IDUA-related conditions. Algorithms developed to predict the effect of sequence changes on RNA splicing suggest that this variant may disrupt the consensus splice site. In summary, the available evidence is currently insufficient to determine the role of this variant in disease. Therefore, it has been classified as a Variant of Uncertain Significance.